The following is an entry in ClinVar:

NM_014319.5(LEMD3):c.2161del (p.Asp721fs)

Gene: LEMD3 (LEM domain containing 3; plus strand). Cytogenetic location: 12q14.3.
Variant type: Deletion.
Coding change: c.2161del on transcript NM_014319.5 (MANE Select); coding-DNA position 2161, one base deleted (G; older notation c.2161delG).
Protein change: p.Asp721fs; shifts the reading frame from aspartic acid 721.
Molecular consequence: frameshift variant.
Genome position (GRCh38, 1-based): chr12:65,240,943, G deleted. VCF-style (leftmost placement, unchanged base first): chr12-65240942-TG-T. GRCh37 (hg19) VCF-style: chr12-65634722-TG-T.
Other names: c.2158del, p.Asp720fs (NM_001167614.2); short protein forms D720fs, D721fs.
Identifiers: ClinVar variation 3651288 (VCV003651288.2).

ClinVar aggregate classification (germline): Pathogenic (1 of 4 stars; one submission).

Submission:

Labcorp Genetics (formerly Invitae), Labcorp
Classification: Pathogenic. Last evaluated: 2024-04-26. Review status: criteria provided, single submitter. Criteria: Invitae Variant Classification Sherloc (09022015). Collection method: clinical testing. Allele origin: germline.
Comment: This sequence change creates a premature translational stop signal (p.Asp721Thrfs*17) in the LEMD3 gene. It is expected to result in an absent or disrupted protein product. Loss-of-function variants in LEMD3 are known to be pathogenic (PMID: 15489854, 19438932). This variant is not present in population databases (gnomAD no frequency). This variant has not been reported in the literature in individuals affected with LEMD3-related conditions. For these reasons, this variant has been classified as Pathogenic.

Literature cited by the submitters: PubMed 15489854; PubMed 19438932.